The following is an entry in ClinVar:

ClinVar aggregate classification (germline): Uncertain significance. Review status: criteria provided, multiple submitters, no conflicts (2 of 4 stars). 2 submissions from 2 submitters: Uncertain significance (2). Last evaluated 2025-04-24.

Conditions:
Hereditary cancer-predisposing syndrome. Also called: Hereditary Cancer Syndrome; Tumor predisposition; Hereditary neoplastic syndrome; Neoplastic Syndromes, Hereditary. Identifiers: Orphanet 140162, MedGen C0027672, MeSH D009386, MONDO:0015356.
Neuroblastoma, susceptibility to, 3. Also called: ALK-Related Neuroblastic Tumor Susceptibility. Identifiers: Orphanet 635, MedGen C2751681, MONDO:0013083, OMIM 613014.

gnomAD v4.1: 1 of 1,614,270 alleles (0.000062%); highest among the groups gnomAD compares: East Asian, 0.0022%; no homozygotes.

Submissions (2):

Ambry Genetics
Classification: Uncertain significance for Hereditary cancer-predisposing syndrome. Last evaluated: 2025-04-24. Review status: criteria provided, single submitter. Criteria: Ambry Variant Classification Scheme 2023. Collection method: clinical testing. Allele origin: germline.
Comment: The p.D832H variant (also known as c.2494G>C), located in coding exon 15 of the ALK gene, results from a G to C substitution at nucleotide position 2494. The aspartic acid at codon 832 is replaced by histidine, an amino acid with similar properties. This amino acid position is conserved. In addition, this alteration is predicted to be tolerated by in silico analysis. Based on the available evidence, the clinical significance of this variant remains unclear.

Labcorp Genetics (formerly Invitae), Labcorp
Classification: Uncertain significance for Neuroblastoma, susceptibility to, 3. Last evaluated: 2023-08-31. Review status: criteria provided, single submitter. Criteria: Invitae Variant Classification Sherloc (09022015). Collection method: clinical testing. Allele origin: germline.
Comment: An algorithm developed to predict the effect of missense changes on protein structure and function (PolyPhen-2) suggests that this variant is likely to be disruptive. In summary, the available evidence is currently insufficient to determine the role of this variant in disease. Therefore, it has been classified as a Variant of Uncertain Significance. This variant has not been reported in the literature in individuals affected with ALK-related conditions. This variant is present in population databases (no rsID available, gnomAD 0.01%). This sequence change replaces aspartic acid, which is acidic and polar, with histidine, which is basic and polar, at codon 832 of the ALK protein (p.Asp832His).

NM_004304.5(ALK):c.2494G>C (p.Asp832His)

Gene: ALK (ALK receptor tyrosine kinase; minus strand). Cytogenetic location: 2p23.2.
Variant type: single nucleotide variant.
Coding change: c.2494G>C on transcript NM_004304.5 (MANE Select); coding-DNA position 2494, G replaced by C.
Protein change: p.Asp832His; replaces aspartic acid 832 with histidine.
Molecular consequence: missense variant.
Genome position (GRCh38, 1-based): chr2:29,232,442, C>G on the plus strand (G>C on the coding strand, the complement: ALK is on the minus strand). VCF-style: chr2-29232442-C-G. GRCh37 (hg19) VCF-style: chr2-29455308-C-G.
Other names: c.2494G>C (NM_004304.4); short protein forms D832H.
Identifiers: ClinVar variation 3022558 (VCV003022558.4), dbSNP rs1376612666, ClinGen allele CA346472053.